The following is an entry in ClinVar:

NM_001330691.3(CEP78):c.1187A>G (p.Glu396Gly)

Gene: CEP78 (centrosomal protein 78; plus strand). Cytogenetic location: 9q21.2.
Variant type: single nucleotide variant.
Coding change: c.1187A>G on transcript NM_001330691.3 (MANE Select); coding-DNA position 1187, A replaced by G.
Protein change: p.Glu396Gly; replaces glutamic acid 396 with glycine.
Molecular consequence: missense variant.
Genome position (GRCh38, 1-based): chr9:78,252,025, A>G. VCF-style: chr9-78252025-A-G. GRCh37 (hg19) VCF-style: chr9-80866941-A-G.
Other names: c.1190A>G, p.Glu397Gly (NM_001098802.3, NM_001349839.2, NM_001349840.2 and 1 more transcripts); c.1187A>G, p.Glu396Gly (NM_001330693.3, NM_001330694.2, NM_001349838.2); short protein forms E396G, E397G.
Identifiers: ClinVar variation 1461322 (VCV001461322.8), dbSNP rs2118300544, ClinGen allele CA373859321.
Genomic context (GRCh38, chr9:78,252,025, plus strand): 5'-ATTATGCGCCCGCACCTCTTCCACCTGGTGTGTCTGGTTTCTTGCCGTGGCGTACTGCAG[A>G]ACGTGCAAAAAGACACAGGTAGGGTATTTTTATTTCCTATCTTTTAGGATAAAAATGGGA-3'
Protein context (NP_001317620.1, residues 386-406): VSGFLPWRTA[Glu396Gly]RAKRHRGFPL

ClinVar aggregate classification (germline): Uncertain significance (1 of 4 stars; one submission).

Submission:

Labcorp Genetics (formerly Invitae), Labcorp
Classification: Uncertain significance. Last evaluated: 2022-08-21. Review status: criteria provided, single submitter. Criteria: Invitae Variant Classification Sherloc (09022015). Collection method: clinical testing. Allele origin: germline.
Comment: In summary, the available evidence is currently insufficient to determine the role of this variant in disease. Therefore, it has been classified as a Variant of Uncertain Significance. Algorithms developed to predict the effect of missense changes on protein structure and function are either unavailable or do not agree on the potential impact of this missense change (SIFT: "Deleterious"; PolyPhen-2: "Benign"; Align-GVGD: "Class C0"). ClinVar contains an entry for this variant (Variation ID: 1461322). This variant has not been reported in the literature in individuals affected with CEP78-related conditions. This variant is not present in population databases (gnomAD no frequency). This sequence change replaces glutamic acid, which is acidic and polar, with glycine, which is neutral and non-polar, at codon 397 of the CEP78 protein (p.Glu397Gly).